The following is an entry in ClinVar:

ClinVar aggregate classification (germline): Uncertain significance. Review status: criteria provided, multiple submitters, no conflicts (2 of 4 stars). 2 submissions from 2 submitters: Uncertain significance (2). Last evaluated 2025-12-03.

Conditions:
Inborn genetic diseases. Identifiers: MedGen C0950123, MeSH D030342.

Allele frequency attached by ClinVar (database versions not stated): gnomAD exomes 0.00001.
gnomAD v4.1: 3 of 1,613,238 alleles (0.00019%); highest among the groups gnomAD compares: Non-Finnish European, 0.00025%; no homozygotes.

Submissions (2):

Ambry Genetics
Classification: Uncertain significance for Inborn genetic diseases. Last evaluated: 2025-12-03. Review status: criteria provided, single submitter. Criteria: Ambry Variant Classification Scheme 2023. Collection method: clinical testing. Allele origin: germline.

Labcorp Genetics (formerly Invitae), Labcorp
Classification: Uncertain significance. Last evaluated: 2021-06-17. Review status: criteria provided, single submitter. Criteria: Invitae Variant Classification Sherloc (09022015). Collection method: clinical testing. Allele origin: germline.
Comment: Algorithms developed to predict the effect of missense changes on protein structure and function output the following: SIFT: "Deleterious"; PolyPhen-2: "Benign"; Align-GVGD: "Class C0". The isoleucine amino acid residue is found in multiple mammalian species, suggesting that this missense change does not adversely affect protein function. These predictions have not been confirmed by published functional studies and their clinical significance is uncertain. In summary, the available evidence is currently insufficient to determine the role of this variant in disease. Therefore, it has been classified as a Variant of Uncertain Significance. This variant has not been reported in the literature in individuals with SPEG-related conditions. This variant is not present in population databases (ExAC no frequency). This sequence change replaces serine with isoleucine at codon 2187 of the SPEG protein (p.Ser2187Ile). The serine residue is moderately conserved and there is a large physicochemical difference between serine and isoleucine.

NM_005876.5(SPEG):c.6560G>T (p.Ser2187Ile)

Genes: ASIC4-AS1 (ASIC4 antisense RNA 1; minus strand), SPEG (striated muscle enriched protein kinase; plus strand). Cytogenetic location: 2q35.
Variant type: single nucleotide variant.
Coding change: c.6560G>T on transcript NM_005876.5 (MANE Select); coding-DNA position 6560, G replaced by T.
Protein change: p.Ser2187Ile; replaces serine 2187 with isoleucine.
Molecular consequence: missense variant.
Genome position (GRCh38, 1-based): chr2:219,484,023, G>T. VCF-style: chr2-219484023-G-T. GRCh37 (hg19) VCF-style: chr2-220348745-G-T.
Other names: c.6560G>T (NM_005876.4); short protein forms S2187I.
Identifiers: ClinVar variation 1363828 (VCV001363828.9), dbSNP rs2125556874, ClinGen allele CA350698319.